The following is an entry in ClinVar:

NM_014915.3(ANKRD26):c.4486G>C (p.Glu1496Gln)

Gene: ANKRD26 (ankyrin repeat domain containing 26; minus strand). Cytogenetic location: 10p12.1.
Variant type: single nucleotide variant.
Coding change: c.4486G>C on transcript NM_014915.3 (MANE Select); coding-DNA position 4486, G replaced by C.
Protein change: p.Glu1496Gln; replaces glutamic acid 1496 with glutamine.
Molecular consequence: missense variant.
Genome position (GRCh38, 1-based): chr10:27,017,522, C>G on the plus strand (G>C on the coding strand, the complement: ANKRD26 is on the minus strand). VCF-style: chr10-27017522-C-G. GRCh37 (hg19) VCF-style: chr10-27306451-C-G.
Other names: c.4483G>C, p.Glu1495Gln (NM_001256053.2); short protein forms E1495Q, E1496Q.
Identifiers: ClinVar variation 3913052 (VCV003913052.1).

ClinVar aggregate classification (germline): Uncertain significance (1 of 4 stars; one submission).

Conditions:
Inborn genetic diseases. Identifiers: MedGen C0950123, MeSH D030342.

gnomAD v4.1: 3 of 1,613,458 alleles (0.00019%); highest among the groups gnomAD compares: Admixed American, 0.0033%; no homozygotes.

Submission:

Ambry Genetics
Classification: Uncertain significance for Inborn genetic diseases. Last evaluated: 2025-03-20. Review status: criteria provided, single submitter. Criteria: Ambry Variant Classification Scheme 2023. Collection method: clinical testing. Allele origin: germline.
Comment: The p.E1496Q variant (also known as c.4486G>C), located in coding exon 30 of the ANKRD26 gene, results from a G to C substitution at nucleotide position 4486. The glutamic acid at codon 1496 is replaced by glutamine, an amino acid with highly similar properties. This amino acid position is conserved. In addition, this alteration is predicted to be tolerated by in silico analysis. Based on the available evidence, the clinical significance of this variant remains unclear.